The following is an entry in ClinVar:

NM_007294.4(BRCA1):c.4626T>C (p.Ser1542=)

Gene: BRCA1 (BRCA1 DNA repair associated; minus strand). Cytogenetic location: 17q21.31.
Variant type: single nucleotide variant.
Coding change: c.4626T>C on transcript NM_007294.4 (MANE Select); coding-DNA position 4626, T replaced by C.
Protein change: p.Ser1542=; no amino-acid change (serine 1542 retained).
Molecular consequence: synonymous variant. On other transcripts: intron variant (3).
Genome position (GRCh38, 1-based): chr17:43,074,380, A>G on the plus strand (T>C on the coding strand, the complement: BRCA1 is on the minus strand). VCF-style: chr17-43074380-A-G. GRCh37 (hg19) VCF-style: chr17-41226397-A-G.
Other names: c.4620T>C, p.Ser1540= (NM_001407630.1, NM_001407631.1, NM_001407632.1 and 14 more transcripts); c.4617T>C, p.Ser1539= (NM_001407644.1, NM_001407645.1); c.4614T>C, p.Ser1538= (NM_001407646.1); c.4611T>C, p.Ser1537= (NM_001407647.1); c.4569T>C, p.Ser1523= (NM_001407648.1); c.4566T>C, p.Ser1522= (NM_001407649.1); c.4626T>C, p.Ser1542= (NM_001407652.1, NM_001407684.1, NM_001407854.1 and 8 more transcripts); c.4548T>C, p.Ser1516= (NM_001407653.1, NM_001407654.1, NM_001407655.1); and 71 more.
Identifiers: ClinVar variation 185749 (VCV000185749.17), dbSNP rs786202425, ClinGen allele CA002934.

ClinVar aggregate classification (germline): Likely benign. Review status: reviewed by expert panel (3 of 4 stars). 3 submissions from 3 submitters: Likely benign (1). 2 of the submissions do not count toward it. Last evaluated 2017-06-29.

Conditions:
Hereditary breast ovarian cancer syndrome. Also called: Hereditary breast and ovarian cancer syndrome; Hereditary breast and ovarian cancer syndrome (HBOC); BRCA1- and BRCA2-Associated Hereditary Breast and Ovarian Cancer; Breast and ovarian cancer; Hereditary breast and ovarian cancer; Hereditary breast and/or ovarian cancer syndrome. Identifiers: Orphanet 145, MedGen C0677776, MeSH D061325, MONDO:0003582. Disease mechanism: loss of function.
Hereditary cancer-predisposing syndrome. Also called: Hereditary Cancer Syndrome; Hereditary neoplastic syndrome; Tumor predisposition; Neoplastic Syndromes, Hereditary. Identifiers: Orphanet 140162, MedGen C0027672, MeSH D009386, MONDO:0015356.
Breast-ovarian cancer, familial, susceptibility to, 1 (BROVCA1). Also called: OVARIAN CANCER, SUSCEPTIBILITY TO; BRCA1 Hereditary Breast and Ovarian Cancer. Identifiers: Orphanet 145, MedGen C2676676, MONDO:0011450, OMIM 604370. Disease mechanism: loss of function.

Submissions (3):

Evidence-based Network for the Interpretation of Germline Mutant Alleles (ENIGMA)
Classification: Likely benign for Breast-ovarian cancer, familial, susceptibility to, 1. Last evaluated: 2017-06-29. Review status: reviewed by expert panel. Criteria: ENIGMA BRCA1/2 Classification Criteria (2017-06-29). Collection method: curation. Allele origin: germline.
Comment: Synonymous substitution variant, with low bioinformatic likelihood to result in a splicing aberration (Splicing prior probability 0.02).

Labcorp Genetics (formerly Invitae), Labcorp
Classification: Likely benign for Hereditary breast ovarian cancer syndrome. Last evaluated: 2025-07-07. Review status: criteria provided, single submitter. Criteria: Invitae Variant Classification Sherloc (09022015). Collection method: clinical testing. Allele origin: germline. Not counted in ClinVar's aggregate classification.

Ambry Genetics
Classification: Likely benign for Hereditary cancer-predisposing syndrome. Last evaluated: 2014-07-22. Review status: criteria provided, single submitter. Criteria: Ambry Variant Classification Scheme 2023. Collection method: clinical testing. Allele origin: germline. Not counted in ClinVar's aggregate classification.